The following is an entry in ClinVar:

NM_000465.4(BARD1):c.896C>T (p.Thr299Ile)

Gene: BARD1 (BRCA1 associated RING domain 1; minus strand). Cytogenetic location: 2q35.
Variant type: single nucleotide variant.
Coding change: c.896C>T on transcript NM_000465.4 (MANE Select); coding-DNA position 896, C replaced by T.
Protein change: p.Thr299Ile; replaces threonine 299 with isoleucine.
Molecular consequence: missense variant. On other transcripts: intron variant (3), non-coding transcript variant (2).
Genome position (GRCh38, 1-based): chr2:214,780,978, G>A on the plus strand (C>T on the coding strand, the complement: BARD1 is on the minus strand). VCF-style: chr2-214780978-G-A. GRCh37 (hg19) VCF-style: chr2-215645702-G-A.
Other names: c.364+11319C>T (NM_001282549.2); c.839C>T, p.Thr280Ile (NM_001282543.2); c.159-28423C>T (NM_001282548.2); c.215+16083C>T (NM_001282545.2); short protein forms T299I, T280I.
Identifiers: ClinVar variation 1765277 (VCV001765277.9), dbSNP rs141934748, ClinGen allele CA2090368.

ClinVar aggregate classification (germline): Uncertain significance. Review status: criteria provided, multiple submitters, no conflicts (2 of 4 stars). 3 submissions from 3 submitters: Uncertain significance (3). Last evaluated 2025-01-14.

Conditions:
Hereditary cancer-predisposing syndrome. Also called: Neoplastic Syndromes, Hereditary; Tumor predisposition; Hereditary Cancer Syndrome; Hereditary neoplastic syndrome. Identifiers: Orphanet 140162, MedGen C0027672, MeSH D009386, MONDO:0015356.
Familial cancer of breast. Also called: hereditary breast carcinoma; BREAST CANCER, FAMILIAL; Hereditary breast cancer. Identifiers: Orphanet 227535, MedGen C0346153, MONDO:0016419, OMIM 114480. Disease mechanism: loss of function.

Allele frequency attached by ClinVar (database versions not stated): gnomAD 0.00001; gnomAD exomes 0.00001; ExAC 0.00004; 1000 Genomes Project 30x 0.00016; 1000 Genomes Project 0.00020.
gnomAD v4.1: 12 of 1,613,574 alleles (0.00074%); highest among the groups gnomAD compares: African/African-American, 0.004%; no homozygotes.

Submissions (3):

Ambry Genetics
Classification: Uncertain significance for Hereditary cancer-predisposing syndrome. Last evaluated: 2025-01-14. Review status: criteria provided, single submitter. Criteria: Ambry Variant Classification Scheme 2023. Collection method: clinical testing. Allele origin: germline.
Comment: The p.T299I variant (also known as c.896C>T), located in coding exon 4 of the BARD1 gene, results from a C to T substitution at nucleotide position 896. The threonine at codon 299 is replaced by isoleucine, an amino acid with similar properties. This amino acid position is not well conserved in available vertebrate species. In addition, this alteration is predicted to be tolerated by in silico analysis. Since supporting evidence is limited at this time, the clinical significance of this alteration remains unclear.

Labcorp Genetics (formerly Invitae), Labcorp
Classification: Uncertain significance for Familial cancer of breast. Last evaluated: 2024-09-19. Review status: criteria provided, single submitter. Criteria: Invitae Variant Classification Sherloc (09022015). Collection method: clinical testing. Allele origin: germline.
Comment: This sequence change replaces threonine, which is neutral and polar, with isoleucine, which is neutral and non-polar, at codon 299 of the BARD1 protein (p.Thr299Ile). This variant is present in population databases (rs141934748, gnomAD 0.01%). This variant has not been reported in the literature in individuals affected with BARD1-related conditions. ClinVar contains an entry for this variant (Variation ID: 1765277). An algorithm developed to predict the effect of missense changes on protein structure and function (PolyPhen-2) suggests that this variant is likely to be tolerated. In summary, the available evidence is currently insufficient to determine the role of this variant in disease. Therefore, it has been classified as a Variant of Uncertain Significance.

Baylor Genetics
Classification: Uncertain significance for Familial cancer of breast. Last evaluated: 2023-10-02. Review status: criteria provided, single submitter. Criteria: ACMG Guidelines, 2015. Collection method: clinical testing. Allele origin: unknown.